The following is an entry in ClinVar:

ClinVar aggregate classification (germline): Uncertain significance (1 of 4 stars; one submission).

Submission:

Labcorp Genetics (formerly Invitae), Labcorp
Classification: Uncertain significance. Last evaluated: 2023-03-22. Review status: criteria provided, single submitter. Criteria: Invitae Variant Classification Sherloc (09022015). Collection method: clinical testing. Allele origin: germline.
Comment: In summary, the available evidence is currently insufficient to determine the role of this variant in disease. Therefore, it has been classified as a Variant of Uncertain Significance. Advanced modeling of protein sequence and biophysical properties (such as structural, functional, and spatial information, amino acid conservation, physicochemical variation, residue mobility, and thermodynamic stability) performed at Invitae indicates that this missense variant is not expected to disrupt COL9A3 protein function. This variant has not been reported in the literature in individuals affected with COL9A3-related conditions. This variant is not present in population databases (gnomAD no frequency). This sequence change replaces methionine, which is neutral and non-polar, with valine, which is neutral and non-polar, at codon 374 of the COL9A3 protein (p.Met374Val).

NM_001853.4(COL9A3):c.1120A>G (p.Met374Val)

Gene: COL9A3 (collagen type IX alpha 3 chain; plus strand). Cytogenetic location: 20q13.33.
Variant type: single nucleotide variant.
Coding change: c.1120A>G on transcript NM_001853.4 (MANE Select); coding-DNA position 1120, A replaced by G.
Protein change: p.Met374Val; replaces methionine 374 with valine.
Molecular consequence: missense variant.
Genome position (GRCh38, 1-based): chr20:62,829,778, A>G. VCF-style: chr20-62829778-A-G. GRCh37 (hg19) VCF-style: chr20-61461130-A-G.
Other names: short protein forms M374V.
Identifiers: ClinVar variation 2848673 (VCV002848673.3), dbSNP rs2516059439, ClinGen allele CA409593685.